The following is an entry in ClinVar:

NM_000543.5(SMPD1):c.649G>T (p.Glu217Ter)

Gene: SMPD1 (sphingomyelin phosphodiesterase 1; plus strand). Cytogenetic location: 11p15.4.
Variant type: single nucleotide variant.
Coding change: c.649G>T on transcript NM_000543.5 (MANE Select); coding-DNA position 649, G replaced by T.
Protein change: p.Glu217Ter; replaces glutamic acid 217 with a stop codon.
Molecular consequence: nonsense. On other transcripts: 5 prime UTR variant (1), non-coding transcript variant (1).
Genome position (GRCh38, 1-based): chr11:6,391,714, G>T. VCF-style: chr11-6391714-G-T. GRCh37 (hg19) VCF-style: chr11-6412944-G-T.
Other names: c.646G>T, p.Glu216Ter (NM_001007593.3); c.649G>T, p.Glu217Ter (NM_001318087.2, NM_001365135.2); c.-313G>T (NM_001318088.2); short protein forms E217*, E216*.
Identifiers: ClinVar variation 421981 (VCV000421981.2), dbSNP rs1064795484, ClinGen allele CA16619356.

ClinVar aggregate classification (germline): Likely pathogenic (1 of 4 stars; one submission).

Submission:

GeneDx
Classification: Likely pathogenic. Last evaluated: 2017-04-21. Review status: criteria provided, single submitter. Criteria: GeneDx Variant Classification (06012015). Collection method: clinical testing. Allele origin: germline. Affected: yes.
Comment: The E217X variant in the SMPD1 gene has not been reported previously as a pathogenic variant nor as a benign variant, to our knowledge. This variant is predicted to cause loss of normal protein function either through protein truncation or nonsense-mediated mRNA decay. The E217X variant was not observed in approximately 6500 individuals of European and African American ancestry in the NHLBI Exome Sequencing Project, indicating it is not a common benign variant in these populations. The E217X variant is a strong candidate for a pathogenic variant.